The following is an entry in ClinVar:

ClinVar aggregate classification (germline): Uncertain significance (1 of 4 stars; one submission).

Conditions:
Hereditary cancer-predisposing syndrome. Also called: Neoplastic Syndromes, Hereditary; Tumor predisposition; Hereditary neoplastic syndrome; Hereditary Cancer Syndrome. Identifiers: Orphanet 140162, MedGen C0027672, MeSH D009386, MONDO:0015356.

Submission:

Ambry Genetics
Classification: Uncertain significance for Hereditary cancer-predisposing syndrome. Last evaluated: 2024-03-28. Review status: criteria provided, single submitter. Criteria: Ambry Variant Classification Scheme 2023. Collection method: clinical testing. Allele origin: germline.
Comment: The p.L409H variant (also known as c.1226T>A), located in coding exon 5 of the AXIN2 gene, results from a T to A substitution at nucleotide position 1226. The leucine at codon 409 is replaced by histidine, an amino acid with similar properties. This amino acid position is conserved. In addition, this alteration is predicted to be tolerated by in silico analysis. Based on the available evidence, the clinical significance of this alteration remains unclear.

NM_004655.4(AXIN2):c.1226T>A (p.Leu409His)

Gene: AXIN2 (axin 2; minus strand). Cytogenetic location: 17q24.1.
Variant type: single nucleotide variant.
Coding change: c.1226T>A on transcript NM_004655.4 (MANE Select); coding-DNA position 1226, T replaced by A.
Protein change: p.Leu409His; replaces leucine 409 with histidine.
Molecular consequence: missense variant.
Genome position (GRCh38, 1-based): chr17:65,537,810, A>T on the plus strand (T>A on the coding strand, the complement: AXIN2 is on the minus strand). VCF-style: chr17-65537810-A-T. GRCh37 (hg19) VCF-style: chr17-63533928-A-T.
Other names: c.1226T>A, p.Leu409His (NM_001363813.1); short protein forms L409H.
Identifiers: ClinVar variation 3335493 (VCV003335493.1).